The following is an entry in ClinVar:

NM_000017.4(ACADS):c.910dup (p.Leu304fs)

Gene: ACADS (acyl-CoA dehydrogenase short chain; plus strand). Cytogenetic location: 12q24.31.
Variant type: Duplication.
Coding change: c.910dup on transcript NM_000017.4 (MANE Select); coding-DNA position 910, one base duplicated (C; older notation c.910dupC).
Protein change: p.Leu304fs; shifts the reading frame from leucine 304.
Molecular consequence: frameshift variant.
Genome position (GRCh38, 1-based): chr12:120,738,647, C duplicated; the last of 4 consecutive C bases (chr12:120,738,644-120,738,647); duplicating any one gives the same sequence. VCF-style (leftmost placement, unchanged base first): chr12-120738643-G-GC. GRCh37 (hg19) VCF-style: chr12-121176446-G-GC.
Other names: c.898dup, p.Leu300fs (NM_001302554.2); short protein forms L300fs, L304fs.
Identifiers: ClinVar variation 370584 (VCV000370584.17), dbSNP rs1057516606, ClinGen allele CA16041571.

ClinVar aggregate classification (germline): Pathogenic/Likely pathogenic. Review status: criteria provided, multiple submitters, no conflicts (2 of 4 stars). 3 submissions from 3 submitters: Pathogenic (1); Likely pathogenic (1). 1 of the submissions does not count toward it. Last evaluated 2022-09-19.

Conditions:
Deficiency of butyryl-CoA dehydrogenase (ACADSD). Also called: SCAD DEFICIENCY, MILD; ACYL-CoA DEHYDROGENASE, SHORT-CHAIN, DEFICIENCY OF; SCAD Deficiency; SCADH DEFICIENCY; ACADS DEFICIENCY; Short-Chain Acyl-CoA Dehydrogenase Deficiency. Identifiers: Orphanet 26792, MedGen C0342783, MONDO:0008722, OMIM 201470. Disease mechanism: May be benign.

Submissions (3):

Labcorp Genetics (formerly Invitae), Labcorp
Classification: Pathogenic for Deficiency of butyryl-CoA dehydrogenase. Last evaluated: 2022-09-19. Review status: criteria provided, single submitter. Criteria: Invitae Variant Classification Sherloc (09022015). Collection method: clinical testing. Allele origin: germline.
Comment: This sequence change creates a premature translational stop signal (p.Leu304Profs*34) in the ACADS gene. It is expected to result in an absent or disrupted protein product. Loss-of-function variants in ACADS are known to be pathogenic (PMID: 12736383, 18523805). This variant is not present in population databases (gnomAD no frequency). This variant has not been reported in the literature in individuals affected with ACADS-related conditions. ClinVar contains an entry for this variant (Variation ID: 370584). For these reasons, this variant has been classified as Pathogenic.

Genome-Nilou Lab
Classification: Likely pathogenic for Deficiency of butyryl-CoA dehydrogenase. Last evaluated: 2021-11-07. Review status: criteria provided, single submitter. Criteria: ACMG Guidelines, 2015. Collection method: clinical testing. Allele origin: germline. Affected: no.

Counsyl
Classification: Likely pathogenic for Deficiency of butyryl-CoA dehydrogenase. Last evaluated: 2016-03-03. Review status: no assertion criteria provided. Collection method: clinical testing. Allele origin: unknown. Not counted in ClinVar's aggregate classification.

Literature cited by the submitters: PubMed 12736383 (cited by Labcorp Genetics (formerly Invitae), Labcorp); PubMed 18523805 (cited by Labcorp Genetics (formerly Invitae), Labcorp).